The following is an entry in ClinVar:

ClinVar aggregate classification (germline): Uncertain significance (1 of 4 stars; one submission).

Allele frequency attached by ClinVar (database versions not stated): gnomAD exomes below 0.00001; TOPMed below 0.00001; gnomAD 0.00001.
gnomAD v4.1: 2 of 1,610,752 alleles (0.00012%); highest among the groups gnomAD compares: South Asian, 0.0011%; no homozygotes.

Submission:

Labcorp Genetics (formerly Invitae), Labcorp
Classification: Uncertain significance. Last evaluated: 2022-07-03. Review status: criteria provided, single submitter. Criteria: Invitae Variant Classification Sherloc (09022015). Collection method: clinical testing. Allele origin: germline.
Comment: This sequence change replaces valine, which is neutral and non-polar, with methionine, which is neutral and non-polar, at codon 1937 of the DNAH9 protein (p.Val1937Met). This variant is present in population databases (no rsID available, gnomAD 0.007%). This variant has not been reported in the literature in individuals affected with DNAH9-related conditions. Algorithms developed to predict the effect of missense changes on protein structure and function are either unavailable or do not agree on the potential impact of this missense change (SIFT: "Tolerated"; PolyPhen-2: "Possibly Damaging"; Align-GVGD: "Class C0"). In summary, the available evidence is currently insufficient to determine the role of this variant in disease. Therefore, it has been classified as a Variant of Uncertain Significance.

NM_001372.4(DNAH9):c.5809G>A (p.Val1937Met)

Gene: DNAH9 (dynein axonemal heavy chain 9; plus strand). Cytogenetic location: 17p12.
Variant type: single nucleotide variant.
Coding change: c.5809G>A on transcript NM_001372.4 (MANE Select); coding-DNA position 5809, G replaced by A.
Protein change: p.Val1937Met; replaces valine 1937 with methionine.
Molecular consequence: missense variant.
Genome position (GRCh38, 1-based): chr17:11,727,917, G>A. VCF-style: chr17-11727917-G-A. GRCh37 (hg19) VCF-style: chr17-11631234-G-A.
Other names: short protein forms V1937M.
Identifiers: ClinVar variation 1924437 (VCV001924437.5), dbSNP rs1438924295, ClinGen allele CA398189775.